The following is an entry in ClinVar:

ClinVar aggregate classification (germline): Uncertain significance. Review status: criteria provided, single submitter (1 of 4 stars). 2 submissions from 2 submitters: Uncertain significance (1). 1 of the submissions does not count toward it. Last evaluated 2025-03-31.

Conditions:
Glucose-6-phosphate transport defect (GSD1B). Also called: Glycogen Storage Disease Type Ib; GSD Ib. Identifiers: Orphanet 364, Orphanet 79259, MedGen C0268146, MONDO:0009288, OMIM 232220.

Submissions (2):

Labcorp Genetics (formerly Invitae), Labcorp
Classification: Uncertain significance for Glucose-6-phosphate transport defect. Last evaluated: 2025-03-31. Review status: criteria provided, single submitter. Criteria: Invitae Variant Classification Sherloc (09022015). Collection method: clinical testing. Allele origin: germline.
Comment: This sequence change replaces alanine, which is neutral and non-polar, with threonine, which is neutral and polar, at codon 347 of the SLC37A4 protein (p.Ala347Thr). This variant is not present in population databases (gnomAD no frequency). This variant has not been reported in the literature in individuals affected with SLC37A4-related conditions. ClinVar contains an entry for this variant (Variation ID: 551352). Invitae Evidence Modeling of protein sequence and biophysical properties (such as structural, functional, and spatial information, amino acid conservation, physicochemical variation, residue mobility, and thermodynamic stability) indicates that this missense variant is not expected to disrupt SLC37A4 protein function with a negative predictive value of 80%. In summary, the available evidence is currently insufficient to determine the role of this variant in disease. Therefore, it has been classified as a Variant of Uncertain Significance.

Counsyl
Classification: Uncertain significance for Glucose-6-phosphate transport defect. Last evaluated: 2017-03-31. Review status: no assertion criteria provided. Collection method: clinical testing. Allele origin: unknown. Not counted in ClinVar's aggregate classification.

NM_001164277.2(SLC37A4):c.1039G>A (p.Ala347Thr)

Gene: SLC37A4 (solute carrier family 37 member 4; minus strand). Cytogenetic location: 11q23.3.
Variant type: single nucleotide variant.
Coding change: c.1039G>A on transcript NM_001164277.2 (MANE Select); coding-DNA position 1039, G replaced by A.
Protein change: p.Ala347Thr; replaces alanine 347 with threonine.
Molecular consequence: missense variant.
Genome position (GRCh38, 1-based): chr11:119,025,275, C>T on the plus strand (G>A on the coding strand, the complement: SLC37A4 is on the minus strand). VCF-style: chr11-119025275-C-T. GRCh37 (hg19) VCF-style: chr11-118895985-C-T.
Other names: c.1105G>A, p.Ala369Thr (NM_001164278.2); c.820G>A, p.Ala274Thr (NM_001164279.2); c.1039G>A, p.Ala347Thr (NM_001164280.2, NM_001467.6); short protein forms A347T, A274T, A369T.
Identifiers: ClinVar variation 551352 (VCV000551352.3), dbSNP rs1555190513, ClinGen allele CA382896005.
Genomic context (GRCh38, chr11:119,025,275, plus strand): 5'-CGTGGGAGGTGCCACACAAGTTGGGAGGGGCACTCTCGTTGGCTATGACTCCAAACAGGG[C>T]AATGGGGCCATACGAGGAGAAACCAAATACAGCTCCCAATACCAGGATCCAGAGCTGCCA-3'
Protein context (NP_001157749.1, residues 337-357): VFGFSSYGPI[Ala347Thr]LFGVIANESA